The following is an entry in ClinVar:

ClinVar aggregate classification (germline): Pathogenic. Review status: reviewed by expert panel (3 of 4 stars). 27 submissions from 27 submitters: Pathogenic (1). 26 of the submissions do not count toward it. Last evaluated 2018-09-28.

Conditions:
PAH-related disorder. Also called: PAH-related condition.
Inborn genetic diseases. Identifiers: MedGen C0950123, MeSH D030342.
Phenylketonuria (PKU). Also called: OLIGOPHRENIA PHENYLPYRUVICA; FOLLING DISEASE; Phenylketonuria (PKU); Phenylketonurias. Identifiers: Orphanet 716, MedGen C0031485, MONDO:0009861, OMIM 261600. Disease mechanism: loss of function.
Hyperphenylalaninemia. Also called: Hyperphenylalaninemia, non-pku; Hyperphenylalaninaemia; Hyperphenylalaninemia (HPA). Identifiers: MedGen C0751435, HP:0004923.

Allele frequency attached by ClinVar (database versions not stated): 1000 Genomes Project 0.00040; 1000 Genomes Project 30x 0.00047; gnomAD 0.00048 and 0.00049; TOPMed 0.00049.
gnomAD v4.1: 866 of 1,614,142 alleles (0.054%); highest among the groups gnomAD compares: Non-Finnish European, 0.068%; no homozygotes.

Submissions 1 to 8 of 27:

ClinGen PAH Variant Curation Expert Panel
Classification: Pathogenic for Phenylketonuria. Last evaluated: 2018-09-28. Review status: reviewed by expert panel. Criteria: ClinGen PAH ACMG Specifications v1. Collection method: curation. Allele origin: germline. Inheritance: Autosomal recessive inheritance.
Comment: PAH-specific ACMG/AMP criteria applied: PM5: V245L Pathogenic; PP4_Moderate: Seen in at least 7 MHP patients. Exclusion of a defect in tetrahydrobiopterin metabolism. Upgraded per ClinGen Metabolic Workgroup. (PMID:7981714; PMID:9298832; PMID:9634518); PM3_VeryStrong: V245A detected with IVS-12nt1, R252W, L194P (both P/LP), R408W (Path). Upgraded per ClinGen SVI Workgroup (PMID:7981714; PMID:9298832; PMID:8088845). In summary this variant meets criteria to be classified as pathogenic for phenylketonuria in an autosomal recessive manner based on the ACMG/AMP criteria applied as specified by the PAH Expert Panel: (PM5, PP4_Moderate, PM3_VeryStrong).

PreventionGenetics, part of Exact Sciences
Classification: Pathogenic for PAH-related condition. Last evaluated: 2026-04-30. Review status: criteria provided, single submitter. Criteria: ACMG Guidelines, 2015. Collection method: clinical testing. Allele origin: germline. Not counted in ClinVar's aggregate classification.
Comment: The PAH c.734T>C variant is predicted to result in the amino acid substitution p.Val245Ala. This variant has been documented to be causative for phenylalanine hydroxylase deficiency and has been associated with mild hyperphenylalaninemia (e.g., Guldberg et al. 1994. PubMed ID: 8088845; Fiori et al. 2005, PubMed ID: 16198137; Réblová et al. 2013. PubMed ID: 23357515; Supplemental Data, Hillert et al. 2020. PubMed ID: 32668217). The p.Val245Ala amino acid substitution has been reported to result in a mutant PAH protein that is responsive to BH4 (Zurflüh et al. 2008. PubMed ID: 17935162; Heintz et al. 2013. PubMed ID: 23559577). In functional studies, the p.Val245Ala substitution has been reported to reduce PAH enzyme activity to ~50-60% of control (e.g., Zurflüh et al. 2008. PubMed ID: 17935162; Danecka et al. 2015. PubMed ID: 25596310). This variant is interpreted as pathogenic or likely pathogenic by the majority of submitters to ClinVar, including the ClinGen PAH Variant Curation Expert Panel (Variation ID: 632). This variant is reported in 0.087% of alleles in individuals of European (Non-Finnish) descent in gnomAD. Taken together, this variant is interpreted as pathogenic.

Labcorp Genetics (formerly Invitae), Labcorp
Classification: Pathogenic for Phenylketonuria. Last evaluated: 2026-01-17. Review status: criteria provided, single submitter. Criteria: Invitae Variant Classification Sherloc (09022015). Collection method: clinical testing. Allele origin: germline. Not counted in ClinVar's aggregate classification.
Comment: This sequence change replaces valine, which is neutral and non-polar, with alanine, which is neutral and non-polar, at codon 245 of the PAH protein (p.Val245Ala). This variant is present in population databases (rs76212747, gnomAD 0.09%), and has an allele count higher than expected for a pathogenic variant. This missense change has been observed in individual(s) with hyperphenylalaninaemia (PMID: 8088845, 24296287, 25596310, 26803807). It has also been observed to segregate with disease in related individuals. ClinVar contains an entry for this variant (Variation ID: 632). Invitae Evidence Modeling of protein sequence and biophysical properties (such as structural, functional, and spatial information, amino acid conservation, physicochemical variation, residue mobility, and thermodynamic stability) indicates that this missense variant is not expected to disrupt PAH protein function with a negative predictive value of 80%. Experimental studies have shown that this missense change affects PAH function (PMID: 26803807). This variant disrupts the p.Val245 amino acid residue in PAH. Other variant(s) that disrupt this residue have been determined to be pathogenic (PMID: 11161839, 15159646). This suggests that this residue is clinically significant, and that variants that disrupt this residue are likely to be disease-causing. For these reasons, this variant has been classified as Pathogenic.

Natera, Inc.
Classification: Pathogenic for Phenylketonuria. Last evaluated: 2025-12-23. Review status: criteria provided, single submitter. Criteria: Natera Variant Classification Schema (03/2026). Collection method: clinical testing. Allele origin: germline. Not counted in ClinVar's aggregate classification.
Comment: The c.734T>C variant in PAH is a missense variant predicted to cause substitution of valine to alanine at amino acid 245. This variant is rare in the general population with a frequency below the threshold expected for the associated phenotype(s). This variant has been observed in one or more individuals affected with the associated recessive disease, as either homozygous or compound heterozygous with a second variant (PMID: 16198137). This variant has been identified in one or more affected individual with a phenotype highly consistent with the associated gene (PMID: 25596310). Computational prediction algorithms indicate this variant is likely to affect gene or protein function. Given the available evidence, this variant is classified as Pathogenic.

CeGaT Center for Human Genetics Tuebingen
Classification: Pathogenic. Last evaluated: 2025-10-01. Review status: criteria provided, single submitter. Criteria: CeGaT Center For Human Genetics Tuebingen Variant Classification Criteria Version 2. Collection method: clinical testing. Allele origin: germline. Affected: yes. Observed: 2 variant alleles. Not counted in ClinVar's aggregate classification.
Comment: PAH: PM3:Very Strong, PS3, PM2, PM5, PP4:Moderate, PP3

Variantyx, Inc.
Classification: Likely pathogenic for Phenylketonuria. Last evaluated: 2025-10-01. Review status: criteria provided, single submitter. Criteria: Variantyx Assertion Criteria 2022. Collection method: clinical testing. Allele origin: germline. Inheritance: Autosomal recessive inheritance. Affected: yes. Not counted in ClinVar's aggregate classification.
Comment: This is a nonsynonymous variant in the PAH gene (OMIM: 612349). Pathogenic variants in this gene have been associated with autosomal recessive PAH-related disorders. It has been identified in the homozygous or compound heterozygous state in multiple individuals reported in the published literature (PMID: 24296287, 7981714, 8088845, 9298832, 25596310) (PM3_Strong). An alternate amino acid change at this position (p.Val245Leu) have been previously reported in similarly affected individuals, which suggests that this residue is biologically important (PM5) and multiple computational algorithms predict a deleterious effect for this variant (REVEL score: 0.901) (PP3). This variant has a 0.0678% maximum allele frequency in non-founder control populations. Based on the current evidence, this variant is classified as likely pathogenic for autosomal recessive PAH-related disorders.

Ambry Genetics
Classification: Pathogenic for Inborn genetic diseases. Last evaluated: 2025-09-09. Review status: criteria provided, single submitter. Criteria: Ambry Variant Classification Scheme 2023. Collection method: clinical testing. Allele origin: germline. Not counted in ClinVar's aggregate classification.
Comment: The c.734T>C (p.V245A) alteration is located in exon 7 (coding exon 7) of the PAH gene. This alteration results from a T to C substitution at nucleotide position 734, causing the valine (V) at amino acid position 245 to be replaced by an alanine (A). Based on data from gnomAD, the C allele has an overall frequency of 0.046% (130/282610) total alleles studied. The highest observed frequency was 0.087% (112/128966) of European (non-Finnish) alleles. This common mutation has been detected in combination with a second variant in many individuals affected with nonphenylketonuria hyperphenylalaninemia and mild hyperphenylalaninemia (Guldberg, 1994; Ald&aacute;miz-Echevarr&iacute;a, 2016; Tolve, 2018). This amino acid position is highly conserved in available vertebrate species. In vitro functional studies have shown that this alteration impairs PAH (phenylalanine hydroxylase) activity (Danecka, 2015; Shen, 2016). This alteration is predicted to be deleterious by in silico analysis. Based on the available evidence, this alteration is classified as pathogenic.

Dasa
Classification: Pathogenic. Last evaluated: 2025-07-22. Review status: criteria provided, single submitter. Criteria: DASA Assertion Criteria. Collection method: clinical testing. Allele origin: germline. Not counted in ClinVar's aggregate classification.
Comment: NM_000277.3(PAH):c.734T>C (p.Val245Ala) is a missense variant that results in the substitution of valine with alanine. The affected residue or protein region has prior evidence supporting clinical relevance. This variant has been observed in affected individuals with related phenotype in a genotype context consistent with recessive disease (PMID: 7981714; PMID: 9298832; PMID: 8088845; PMID: 26666653; PMID: 29997390). This variant has been recurrently observed in individuals with related phenotype (PMID: 7981714; PMID: 9298832; PMID: 8088845; PMID: 26666653; PMID: 29997390). Multiple computational predictions support a deleterious effect on the gene or gene product. The variant is present at low frequency in population datasets. Based on the available data, this variant is classified as pathogenic.

NM_000277.3(PAH):c.734T>C (p.Val245Ala)

Gene: PAH (phenylalanine hydroxylase; minus strand). Cytogenetic location: 12q23.2.
Variant type: single nucleotide variant.
Coding change: c.734T>C on transcript NM_000277.3 (MANE Select); coding-DNA position 734, T replaced by C.
Protein change: p.Val245Ala; replaces valine 245 with alanine.
Molecular consequence: missense variant.
Genome position (GRCh38, 1-based): chr12:102,852,923, A>G on the plus strand (T>C on the coding strand, the complement: PAH is on the minus strand). VCF-style: chr12-102852923-A-G. GRCh37 (hg19) VCF-style: chr12-103246701-A-G.
Other names: p.V245A:GTG>GCG; NM_000277.2(PAH):c.734T>C; c.734T>C, p.Val245Ala (NM_001354304.2); c.734T>C (NM_000277.2); short protein forms V245A.
Identifiers: ClinVar variation 632 (VCV000000632.67), dbSNP rs76212747, ClinGen allele CA114372.
Genomic context (GRCh38, chr12:102,852,923, plus strand): 5'-CAGTGGAAGACTCGGAAGGCCAGGCCACCCAAGAAATCCCGAGAGGAAAGCAGGCCAGCC[A>G]CAGGTCGGAGGCGGAAACCAGTGCAAGCTGGGATGAAAAGAAGAAAGAAAACTCAAAGCT-3'
Protein context (NP_000268.1, residues 235-255): QTCTGFRLRP[Val245Ala]AGLLSSRDFL